The following is an entry in ClinVar:

ClinVar aggregate classification (germline): Likely benign. Review status: criteria provided, single submitter (1 of 4 stars). 2 submissions from 2 submitters: Likely benign (1). 1 of the submissions does not count toward it. Last evaluated 2026-01-05.

Conditions:
Syndromic multisystem autoimmune disease due to ITCH deficiency. Also called: AUTOIMMUNE DISEASE, MULTISYSTEM, WITH FACIAL DYSMORPHISM. Identifiers: Orphanet 228426, MedGen C3150649, MONDO:0013245, OMIM 613385.
ITCH-related disorder. Also called: ITCH-related condition.

Allele frequency attached by ClinVar (database versions not stated): gnomAD 0.00021 and 0.00024; 1000 Genomes Project 30x 0.00031; ExAC 0.00018; ESP Exome Variant Server 0.00031; gnomAD exomes 0.00019; TOPMed 0.00029; 1000 Genomes Project 0.00040.
gnomAD v4.1: 85 of 1,613,192 alleles (0.0053%); highest among the groups gnomAD compares: Admixed American, 0.057%; no homozygotes.

Submissions (2):

Labcorp Genetics (formerly Invitae), Labcorp
Classification: Likely benign for Syndromic multisystem autoimmune disease due to ITCH deficiency. Last evaluated: 2026-01-05. Review status: criteria provided, single submitter. Criteria: Invitae Variant Classification Sherloc (09022015). Collection method: clinical testing. Allele origin: germline.

PreventionGenetics, part of Exact Sciences
Classification: Likely benign for ITCH-related condition. Last evaluated: 2020-08-25. Review status: no assertion criteria provided. Collection method: clinical testing. Allele origin: germline. Not counted in ClinVar's aggregate classification.
Comment: This variant is classified as likely benign based on ACMG/AMP sequence variant interpretation guidelines (Richards et al. 2015 PMID: 25741868, with internal and published modifications).

NM_031483.7(ITCH):c.1296-4G>A

Gene: ITCH (itchy E3 ubiquitin protein ligase; plus strand). Cytogenetic location: 20q11.22.
Variant type: single nucleotide variant.
Coding change: c.1296-4G>A on transcript NM_031483.7 (MANE Select); 4 bases into the intron before coding-DNA position 1296, G replaced by A.
Molecular consequence: intron variant.
Genome position (GRCh38, 1-based): chr20:34,462,089, G>A. VCF-style: chr20-34462089-G-A. GRCh37 (hg19) VCF-style: chr20-33049894-G-A.
Other names: c.1419-4G>A (NM_001324197.2, NM_001257137.3); c.1296-4G>A (NM_001324198.2); c.966-4G>A (NM_001257138.3).
Identifiers: ClinVar variation 770300 (VCV000770300.13), dbSNP rs370123057, ClinGen allele CA9821644.